The following is an entry in ClinVar:

ClinVar aggregate classification (germline): Uncertain significance (1 of 4 stars; one submission).

Conditions:
Propionic acidemia (PROP). Also called: GLYCINEMIA, KETOTIC; HYPERGLYCINEMIA WITH KETOACIDOSIS AND LEUKOPENIA; KETOTIC HYPERGLYCINEMIA. Identifiers: Orphanet 35, MedGen C0268579, MONDO:0011628, OMIM 606054, HP:0003571.

Allele frequency attached by ClinVar (database versions not stated): gnomAD exomes below 0.00001.
gnomAD v4.1: 1 of 1,605,748 alleles (0.000062%); highest among the groups gnomAD compares: Non-Finnish European, 0.000085%; no homozygotes.

Submission:

Labcorp Genetics (formerly Invitae), Labcorp
Classification: Uncertain significance for Propionic acidemia. Last evaluated: 2024-06-30. Review status: criteria provided, single submitter. Criteria: Invitae Variant Classification Sherloc (09022015). Collection method: clinical testing. Allele origin: germline.
Comment: This sequence change replaces leucine, which is neutral and non-polar, with isoleucine, which is neutral and non-polar, at codon 538 of the PCCA protein (p.Leu538Ile). This variant is present in population databases (no rsID available, gnomAD 0.0009%). This variant has not been reported in the literature in individuals affected with PCCA-related conditions. Advanced modeling of protein sequence and biophysical properties (such as structural, functional, and spatial information, amino acid conservation, physicochemical variation, residue mobility, and thermodynamic stability) performed at Invitae indicates that this missense variant is not expected to disrupt PCCA protein function with a negative predictive value of 95%. In summary, the available evidence is currently insufficient to determine the role of this variant in disease. Therefore, it has been classified as a Variant of Uncertain Significance.

NM_000282.4(PCCA):c.1612T>A (p.Leu538Ile)

Gene: PCCA (propionyl-CoA carboxylase subunit alpha; plus strand). Cytogenetic location: 13q32.3.
Variant type: single nucleotide variant.
Coding change: c.1612T>A on transcript NM_000282.4 (MANE Select); coding-DNA position 1612, T replaced by A.
Protein change: p.Leu538Ile; replaces leucine 538 with isoleucine.
Molecular consequence: missense variant. On other transcripts: non-coding transcript variant (5).
Genome position (GRCh38, 1-based): chr13:100,340,228, T>A. VCF-style: chr13-100340228-T-A. GRCh37 (hg19) VCF-style: chr13-100992482-T-A.
Other names: c.1534T>A, p.Leu512Ile (NM_001127692.3, NM_001352607.2); c.1612T>A, p.Leu538Ile (NM_001178004.2, NM_001352605.2, NM_001352609.2); c.1468T>A, p.Leu490Ile (NM_001352606.2); c.1390T>A, p.Leu464Ile (NM_001352608.2); c.667T>A, p.Leu223Ile (NM_001352610.2, NM_001352611.2); c.523T>A, p.Leu175Ile (NM_001352612.2); short protein forms L538I, L175I, L464I, L512I, L223I, L490I.
Identifiers: ClinVar variation 3014351 (VCV003014351.3), dbSNP rs1438492258, ClinGen allele CA388696449.